The following is an entry in ClinVar:

NM_001393504.1(MAST3):c.2085C>G (p.Ser695Arg)

Gene: MAST3 (microtubule associated serine/threonine kinase 3; plus strand). Cytogenetic location: 19p13.11.
Variant type: single nucleotide variant.
Coding change: c.2085C>G on transcript NM_001393504.1 (MANE Select); coding-DNA position 2085, C replaced by G.
Protein change: p.Ser695Arg; replaces serine 695 with arginine.
Molecular consequence: missense variant.
Genome position (GRCh38, 1-based): chr19:18,137,351, C>G. VCF-style: chr19-18137351-C-G. GRCh37 (hg19) VCF-style: chr19-18248161-C-G.
Other names: c.2109C>G, p.Ser703Arg (NM_001393501.1); c.2088C>G, p.Ser696Arg (NM_001393502.1); c.2085C>G, p.Ser695Arg (NM_001393503.1); c.2082C>G, p.Ser694Arg (NM_001393505.1); c.2037C>G, p.Ser679Arg (NM_001393506.1, NM_001393513.1); c.2064C>G, p.Ser688Arg (NM_001393507.1); c.2019C>G, p.Ser673Arg (NM_001393508.1, NM_001393516.1); c.2016C>G, p.Ser672Arg (NM_001393509.1, NM_001393510.1, NM_001393512.1 and 2 more transcripts); and 4 more; short protein forms S657R, S665R, S666R, S671R, S672R, S673R, S679R, S688R.
Identifiers: ClinVar variation 2501548 (VCV002501548.1), dbSNP rs2513239584, ClinGen allele CA404817276.
Genomic context (GRCh38, chr19:18,137,351, plus strand): 5'-AGGGCTTCTCCGACACAAAGCCGAGTTCGTGCCCCAGCTCGAAGCTGAGGATGATACCAG[C>G]TACTTTGACAGTAAGGAGGGATCCCCCTGGAGGGGGGGCGGGGGGTGCTCTGCCATCCCT-3'
Protein context (NP_001380433.1, residues 685-705): VPQLEAEDDT[Ser695Arg]YFDTRSERYR

ClinVar aggregate classification (germline): Uncertain significance (1 of 4 stars; one submission).

Submission:

GeneDx
Classification: Uncertain significance. Last evaluated: 2022-11-08. Review status: criteria provided, single submitter. Criteria: GeneDx Variant Classification Process June 2021. Collection method: clinical testing. Allele origin: germline. Affected: yes.
Comment: Not observed at significant frequency in large population cohorts (gnomAD); In silico analysis supports that this missense variant has a deleterious effect on protein structure/function; Has not been previously published as pathogenic or benign to our knowledge